The following is an entry in ClinVar:

ClinVar aggregate classification (germline): Conflicting classifications of pathogenicity. Review status: criteria provided, conflicting classifications (1 of 4 stars). 2 submissions from 2 submitters: Likely pathogenic (1); Uncertain significance (1). Last evaluated 2024-04-08.

Conditions:
Hypercalcemia, infantile, 2 (HCINF2). Identifiers: Orphanet 300547, MedGen C4310473, MONDO:0014851, OMIM 616963.

Submissions (2):

Institute of Human Genetics, University of Leipzig Medical Center
Classification: Likely pathogenic for Hypercalcemia, infantile, 2. Last evaluated: 2024-04-08. Review status: criteria provided, single submitter. Criteria: ACMG Guidelines, 2015. Collection method: clinical testing. Allele origin: unknown. Inheritance: Autosomal recessive inheritance. Affected: yes.
Comment: Criteria applied: PS3_MOD,PVS1_STR,PM2_SUP

Labcorp Genetics (formerly Invitae), Labcorp
Classification: Uncertain significance. Last evaluated: 2023-08-09. Review status: criteria provided, single submitter. Criteria: Invitae Variant Classification Sherloc (09022015). Collection method: clinical testing. Allele origin: germline.
Comment: This sequence change creates a premature translational stop signal (p.Cys476Serfs*128) in the SLC34A1 gene. While this is not anticipated to result in nonsense mediated decay, it is expected to disrupt the last 164 amino acid(s) of the SLC34A1 protein. This variant is not present in population databases (gnomAD no frequency). This premature translational stop signal has been observed in individual(s) with infantile hypercalcemia (PMID: 26047794; Invitae). This variant disrupts the C-terminus of the SLC34A1 protein. Other variant(s) that disrupt this region (p.W538*) have been observed in individuals with SLC34A1-related conditions (PMID: 26047794). This suggests that this may be a clinically significant region of the protein. In summary, the available evidence is currently insufficient to determine the role of this variant in disease. Therefore, it has been classified as a Variant of Uncertain Significance.

Literature cited by the submitters: PubMed 26047794 (cited by Labcorp Genetics (formerly Invitae), Labcorp).

NM_003052.5(SLC34A1):c.1425_1426del (p.Cys476fs)

Gene: SLC34A1 (solute carrier family 34 member 1; plus strand). Cytogenetic location: 5q35.3.
Variant type: Microsatellite.
Coding change: c.1425_1426del on transcript NM_003052.5 (MANE Select); coding-DNA positions 1425 to 1426, 2 bases deleted (CT; older notation c.1425_1426delCT).
Protein change: p.Cys476fs; shifts the reading frame from cysteine 476.
Molecular consequence: frameshift variant.
Genome position (GRCh38, 1-based): chr5:177,397,791-177,397,792, CT deleted; deleting any 2 consecutive bases within chr5:177,397,789-177,397,792 gives the same sequence; the c. name uses the placement nearest the transcript's 3' end. VCF-style (leftmost placement, unchanged base first): chr5-177397788-CCT-C. GRCh37 (hg19) VCF-style: chr5-176824789-CCT-C.
Other names: short protein forms C476fs.
Identifiers: ClinVar variation 2136356 (VCV002136356.6), dbSNP rs1763019193, ClinGen allele CA1603597662.